The following is an entry in ClinVar:

ClinVar aggregate classification (germline): Conflicting classifications of pathogenicity. Review status: criteria provided, conflicting classifications (1 of 4 stars). 3 submissions from 3 submitters: Pathogenic (1); Uncertain significance (1). 1 of the submissions does not count toward it. Last evaluated 2025-08-04.

Conditions:
Poirier-Bienvenu neurodevelopmental syndrome (POBINDS). Identifiers: Orphanet 689397, MedGen C5231482, MONDO:0032889, OMIM 618732.

Allele frequency attached by ClinVar (database versions not stated): gnomAD 0.00001; ESP Exome Variant Server 0.00012; gnomAD exomes below 0.00001.
gnomAD v4.1: 5 of 1,612,936 alleles (0.00031%); highest among the groups gnomAD compares: African/African-American, 0.0013%; no homozygotes.

Submissions (3):

GeneDx
Classification: Pathogenic. Last evaluated: 2025-08-04. Review status: criteria provided, single submitter. Criteria: GeneDx Variant Classification Process June 2021. Collection method: clinical testing. Allele origin: germline.
Comment: Not observed at significant frequency in large population cohorts (gnomAD); In silico analysis supports that this missense variant has a deleterious effect on protein structure/function; Has not been previously published as pathogenic or benign to our knowledge

CeGaT Center for Human Genetics Tuebingen
Classification: Uncertain significance. Last evaluated: 2024-02-01. Review status: criteria provided, single submitter. Criteria: CeGaT Center For Human Genetics Tuebingen Variant Classification Criteria Version 2. Collection method: clinical testing. Allele origin: germline. Affected: yes. Observed: 1 variant allele.
Comment: CSNK2B: PM2, PM5, PP2

Molecular Genetics Laboratory, BC Children's and BC Women's Hospitals
Classification: Uncertain significance for Poirier-Bienvenu neurodevelopmental syndrome. Last evaluated: 2025-04-07. Review status: no assertion criteria provided. Criteria: ACMG Guidelines, 2015. Collection method: clinical testing. Allele origin: unknown. Affected: yes. Not counted in ClinVar's aggregate classification.

NM_001320.7(CSNK2B):c.257G>A (p.Arg86His)

Gene: CSNK2B (casein kinase 2 beta; plus strand). Cytogenetic location: 6p21.33.
Variant type: single nucleotide variant.
Coding change: c.257G>A on transcript NM_001320.7 (MANE Select); coding-DNA position 257, G replaced by A.
Protein change: p.Arg86His; replaces arginine 86 with histidine.
Molecular consequence: missense variant.
Genome position (GRCh38, 1-based): chr6:31,668,620, G>A. VCF-style: chr6-31668620-G-A. GRCh37 (hg19) VCF-style: chr6-31636397-G-A.
Other names: c.257G>A, p.Arg86His (NM_001282385.2); short protein forms R86H.
Identifiers: ClinVar variation 2502649 (VCV002502649.25), dbSNP rs372125807, ClinGen allele CA136881380.
Genomic context (GRCh38, chr6:31,668,620, plus strand): 5'-CCAACCAGAGTGACCTGATTGAGCAGGCAGCCGAGATGCTTTATGGATTGATCCACGCCC[G>A]CTACATCCTTACCAACCGTGGCATCGCCCAGATGGTGAGGCCTCTCTGCTCCTACCTGCC-3'
Protein context (NP_001311.3, residues 76-96): AEMLYGLIHA[Arg86His]YILTNRGIAQ